The following is an entry in ClinVar:

ClinVar aggregate classification (germline): Likely benign. Review status: criteria provided, multiple submitters, no conflicts (2 of 4 stars). 2 submissions from 2 submitters: Likely benign (2). Last evaluated 2024-08-08.

gnomAD v4.1: 11 of 1,554,066 alleles (0.00071%); highest among the groups gnomAD compares: East Asian, 0.02%; no homozygotes.

Submissions (3):

Women's Health and Genetics/Laboratory Corporation of America, LabCorp
Classification: Likely benign. Last evaluated: 2024-08-08. Review status: criteria provided, single submitter. Criteria: LabCorp Variant Classification Summary - May 2015. Collection method: clinical testing. Allele origin: germline.
Comment: Variant summary: LAMA1 c.2052-14C>G alters a non-conserved nucleotide located at a position not widely known to affect splicing. Consensus agreement among computation tools predict no significant impact on normal splicing. However, these predictions have yet to be confirmed by functional studies. The variant allele was found at a frequency of 3.5e-05 in 230158 control chromosomes. The available data on variant occurrences in the general population are insufficient to allow any conclusion about variant significance. To our knowledge, no occurrence of c.2052-14C>G in individuals affected with Ataxia-Intellectual Disability-Oculomotor Apraxia-Cerebellar Cysts Syndrome and no experimental evidence demonstrating its impact on protein function have been reported. No submitters have cited clinical-significance assessments for this variant to ClinVar. Based on the evidence outlined above, the variant was classified as likely benign.

Blueprint Genetics
Classification: Likely benign. Last evaluated: 2024-02-13. Review status: criteria provided, single submitter. Criteria: ACMG Guidelines, 2015. Collection method: clinical testing. Allele origin: germline.

Dr. Peter K. Rogan Lab, Western University
No classification provided (evidence only). Condition: Cervical cancer. Review status: no classification provided. Collection method: in vitro. Allele origin: not applicable. Functional consequence: retained intron. Not counted in ClinVar's aggregate classification.

NM_005559.4(LAMA1):c.2052-14C>G

Gene: LAMA1 (laminin subunit alpha 1; minus strand). Cytogenetic location: 18p11.31.
Variant type: single nucleotide variant.
Coding change: c.2052-14C>G on transcript NM_005559.4 (MANE Select); 14 bases into the intron before coding-DNA position 2052, C replaced by G.
Molecular consequence: intron variant.
Genome position (GRCh38, 1-based): chr18:7,033,109, G>C on the plus strand (C>G on the coding strand, the complement: LAMA1 is on the minus strand). VCF-style: chr18-7033109-G-C. GRCh37 (hg19) VCF-style: chr18-7033108-G-C.
Other names: NC_000018.9:g.7033108G>C.
Identifiers: ClinVar variation 3366406 (VCV003366406.3).